The following is an entry in ClinVar:

NM_000400.4(ERCC2):c.86A>C (p.Lys29Thr)

Gene: ERCC2 (ERCC excision repair 2, TFIIH core complex helicase subunit; minus strand). Cytogenetic location: 19q13.32.
Variant type: single nucleotide variant.
Coding change: c.86A>C on transcript NM_000400.4 (MANE Select); coding-DNA position 86, A replaced by C.
Protein change: p.Lys29Thr; replaces lysine 29 with threonine.
Molecular consequence: missense variant.
Genome position (GRCh38, 1-based): chr19:45,370,152, T>G on the plus strand (A>C on the coding strand, the complement: ERCC2 is on the minus strand). VCF-style: chr19-45370152-T-G. GRCh37 (hg19) VCF-style: chr19-45873410-T-G.
Other names: c.14A>C, p.Lys5Thr (NM_001130867.2); short protein forms K5T, K29T.
Identifiers: ClinVar variation 1764351 (VCV001764351.3), dbSNP rs773018804, ClinGen allele CA9513938.
Genomic context (GRCh38, chr19:45,370,152, plus strand): 5'-CCACCGGTCGAGTGGGCGGGTCGGGCCCACCGGCCACCCACCTTGGCGTCCAGCGTGCGT[T>G]TGAGCTCCCGCATGTAGGAGAACTGCTCGGGGTAGATGTAGTCGTACGGGAAGTAGACCA-3'
Protein context (NP_000391.1, residues 19-39): PEQFSYMREL[Lys29Thr]RTLDAKGHGV

ClinVar aggregate classification (germline): Uncertain significance (1 of 4 stars; one submission).

Conditions:
Inborn genetic diseases. Identifiers: MedGen C0950123, MeSH D030342.

Allele frequency attached by ClinVar (database versions not stated): ExAC 0.00001.
gnomAD v4.1: 5 of 1,613,112 alleles (0.00031%); highest among the groups gnomAD compares: East Asian, 0.0089%; no homozygotes.

Submission:

Ambry Genetics
Classification: Uncertain significance for Inborn genetic diseases. Last evaluated: 2024-08-10. Review status: criteria provided, single submitter. Criteria: Ambry Variant Classification Scheme 2023. Collection method: clinical testing. Allele origin: germline.
Comment: The p.K29T variant (also known as c.86A>C), located in coding exon 2 of the ERCC2 gene, results from an A to C substitution at nucleotide position 86. The lysine at codon 29 is replaced by threonine, an amino acid with similar properties. This amino acid position is conserved. In addition, this alteration is predicted to be deleterious by in silico analysis. Since supporting evidence is limited at this time, the clinical significance of this alteration remains unclear.